The following is an entry in ClinVar:

NM_006767.4(LZTR1):c.439A>G (p.Lys147Glu)

Gene: LZTR1 (leucine zipper like post translational regulator 1; plus strand). Cytogenetic location: 22q11.21.
Variant type: single nucleotide variant.
Coding change: c.439A>G on transcript NM_006767.4 (MANE Select); coding-DNA position 439, A replaced by G.
Protein change: p.Lys147Glu; replaces lysine 147 with glutamic acid.
Molecular consequence: missense variant.
Genome position (GRCh38, 1-based): chr22:20,988,048, A>G. VCF-style: chr22-20988048-A-G. GRCh37 (hg19) VCF-style: chr22-21342337-A-G.
Other names: short protein forms K147E.
Identifiers: ClinVar variation 3541628 (VCV003541628.2).
Genomic context (GRCh38, chr22:20,988,048, plus strand): 5'-GTTTCTCACTCTCTTTACTCAGGGGGTTACACTGGGGACATTTATTCCAATTCTAACTTG[A>G]AGAATAAAAACGACCTCTTTGAATACAAGTTTGCAACTGGCCAGTGGACGGAGTGGAAAA-3'
Protein context (NP_006758.2, residues 137-157): TGDIYSNSNL[Lys147Glu]NKNDLFEYKF

ClinVar aggregate classification (germline): Uncertain significance. Review status: criteria provided, multiple submitters, no conflicts (2 of 4 stars). 2 submissions from 2 submitters: Uncertain significance (2). Last evaluated 2025-09-07.

Conditions:
Hereditary cancer-predisposing syndrome. Also called: Hereditary Cancer Syndrome; Hereditary neoplastic syndrome; Tumor predisposition; Neoplastic Syndromes, Hereditary. Identifiers: Orphanet 140162, MedGen C0027672, MeSH D009386, MONDO:0015356.
Cardiovascular phenotype. Identifiers: MedGen CN230736.

Submissions (2):

Labcorp Genetics (formerly Invitae), Labcorp
Classification: Uncertain significance. Last evaluated: 2025-09-07. Review status: criteria provided, single submitter. Criteria: Invitae Variant Classification Sherloc (09022015). Collection method: clinical testing. Allele origin: germline.
Comment: This sequence change replaces lysine, which is basic and polar, with glutamic acid, which is acidic and polar, at codon 147 of the LZTR1 protein (p.Lys147Glu). This variant is not present in population databases (gnomAD no frequency). This variant has not been reported in the literature in individuals affected with LZTR1-related conditions. ClinVar contains an entry for this variant (Variation ID: 3541628). Invitae Evidence Modeling of protein sequence and biophysical properties (such as structural, functional, and spatial information, amino acid conservation, physicochemical variation, residue mobility, and thermodynamic stability) indicates that this missense variant is not expected to disrupt LZTR1 protein function with a negative predictive value of 80%. In summary, the available evidence is currently insufficient to determine the role of this variant in disease. Therefore, it has been classified as a Variant of Uncertain Significance.

Ambry Genetics
Classification: Uncertain significance for Cardiovascular phenotype; Hereditary cancer-predisposing syndrome. Last evaluated: 2024-09-16. Review status: criteria provided, single submitter. Criteria: Ambry Variant Classification Scheme 2023. Collection method: clinical testing. Allele origin: germline.
Comment: The p.K147E variant (also known as c.439A>G), located in coding exon 5 of the LZTR1 gene, results from an A to G substitution at nucleotide position 439. The lysine at codon 147 is replaced by glutamic acid, an amino acid with similar properties. This amino acid position is conserved. In addition, the in silico prediction for this alteration is inconclusive. Based on the available evidence, the clinical significance of this variant remains unclear.